The following is an entry in ClinVar:

NM_004006.3(DMD):c.4450C>A (p.His1484Asn)

Gene: DMD (dystrophin; minus strand). Cytogenetic location: Xp21.1.
Variant type: single nucleotide variant.
Coding change: c.4450C>A on transcript NM_004006.3 (MANE Select); coding-DNA position 4450, C replaced by A.
Protein change: p.His1484Asn; replaces histidine 1484 with asparagine.
Molecular consequence: missense variant.
Genome position (GRCh38, 1-based): chrX:32,389,569, G>T on the plus strand (C>A on the coding strand, the complement: DMD is on the minus strand). VCF-style: chrX-32389569-G-T. GRCh37 (hg19) VCF-style: chrX-32407686-G-T.
Other names: c.4426C>A, p.His1476Asn (NM_000109.4); c.4438C>A, p.His1480Asn (NM_004009.3); c.4081C>A, p.His1361Asn (NM_004010.3); c.427C>A, p.His143Asn (NM_004011.4); c.418C>A, p.His140Asn (NM_004012.4); short protein forms H1476N, H143N, H1484N, H1361N, H140N, H1480N.
Identifiers: ClinVar variation 3730343 (VCV003730343.2).

ClinVar aggregate classification (germline): Uncertain significance (1 of 4 stars; one submission).

Conditions:
Duchenne muscular dystrophy (DMD). Also called: Duchenne Muscular Dystrophy (DMD); MUSCULAR DYSTROPHY, PSEUDOHYPERTROPHIC PROGRESSIVE, DUCHENNE TYPE. Identifiers: Orphanet 98896, MedGen C0013264, MONDO:0010679, OMIM 310200.

gnomAD v4.1: 3 of 1,208,792 alleles (0.00025%); highest among the groups gnomAD compares: South Asian, 0.0035%; no homozygotes.

Submission:

Labcorp Genetics (formerly Invitae), Labcorp
Classification: Uncertain significance for Duchenne muscular dystrophy. Last evaluated: 2024-05-17. Review status: criteria provided, single submitter. Criteria: Invitae Variant Classification Sherloc (09022015). Collection method: clinical testing. Allele origin: germline.
Comment: This sequence change replaces histidine, which is basic and polar, with asparagine, which is neutral and polar, at codon 1484 of the DMD protein (p.His1484Asn). This variant is present in population databases (no rsID available, gnomAD 0.2%). This variant has not been reported in the literature in individuals affected with DMD-related conditions. Advanced modeling of protein sequence and biophysical properties (such as structural, functional, and spatial information, amino acid conservation, physicochemical variation, residue mobility, and thermodynamic stability) performed at Invitae indicates that this missense variant is not expected to disrupt DMD protein function with a negative predictive value of 95%. In summary, the available evidence is currently insufficient to determine the role of this variant in disease. Therefore, it has been classified as a Variant of Uncertain Significance.